The following is an entry in ClinVar:

ClinVar aggregate classification (germline): Uncertain significance (1 of 4 stars; one submission).

Conditions:
Progressive sclerosing poliodystrophy (MTDPS4A). Also called: NEURONAL DEGENERATION OF CHILDHOOD WITH LIVER DISEASE, PROGRESSIVE; ALPERS PROGRESSIVE INFANTILE POLIODYSTROPHY; Mitochondrial DNA Depletion Syndrome 4A; Alpers-Huttenlocher Syndrome (AHS); Alpers Syndrome; ALPERS DIFFUSE DEGENERATION OF CEREBRAL GRAY MATTER WITH HEPATIC CIRRHOSIS. Identifiers: Orphanet 726, MedGen C0205710, MONDO:0008758, OMIM 203700.

Allele frequency attached by ClinVar (database versions not stated): TOPMed 0.00001; ExAC 0.00002; gnomAD 0.00002 and 0.00003; gnomAD exomes 0.00002 and 0.00003; 1000 Genomes Project 30x 0.00016.
gnomAD v4.1: 47 of 1,613,366 alleles (0.0029%); highest among the groups gnomAD compares: East Asian, 0.025%; no homozygotes.

Submission:

Labcorp Genetics (formerly Invitae), Labcorp
Classification: Uncertain significance for Progressive sclerosing poliodystrophy. Last evaluated: 2025-01-19. Review status: criteria provided, single submitter. Criteria: Invitae Variant Classification Sherloc (09022015). Collection method: clinical testing. Allele origin: germline.
Comment: This sequence change replaces glutamine, which is neutral and polar, with arginine, which is basic and polar, at codon 238 of the POLG protein (p.Gln238Arg). This variant is present in population databases (rs56410699, gnomAD 0.01%). This variant has not been reported in the literature in individuals affected with POLG-related conditions. ClinVar contains an entry for this variant (Variation ID: 948661). Invitae Evidence Modeling of protein sequence and biophysical properties (such as structural, functional, and spatial information, amino acid conservation, physicochemical variation, residue mobility, and thermodynamic stability) indicates that this missense variant is not expected to disrupt POLG protein function with a negative predictive value of 95%. Experimental studies have shown that this missense change does not substantially affect POLG function (PMID: 27987238). In summary, the available evidence is currently insufficient to determine the role of this variant in disease. Therefore, it has been classified as a Variant of Uncertain Significance.

Literature cited by the submitters: PubMed 27987238.

NM_002693.3(POLG):c.713A>G (p.Gln238Arg)

Genes: POLG (DNA polymerase gamma, catalytic subunit; minus strand), POLGARF (POLG alternative reading frame; minus strand). Cytogenetic location: 15q26.1.
Variant type: single nucleotide variant.
Coding change: c.713A>G on transcript NM_002693.3 (MANE Select); coding-DNA position 713, A replaced by G.
Protein change: p.Gln238Arg; replaces glutamine 238 with arginine.
Molecular consequence: missense variant.
Genome position (GRCh38, 1-based): chr15:89,330,223, T>C on the plus strand (A>G on the coding strand, the complement: POLG is on the minus strand). VCF-style: chr15-89330223-T-C. GRCh37 (hg19) VCF-style: chr15-89873454-T-C.
Other names: c.713A>G, p.Gln238Arg (NM_001126131.2); short protein forms Q238R.
Identifiers: ClinVar variation 948661 (VCV000948661.9), dbSNP rs56410699, ClinGen allele CA7725056.